The following is an entry in ClinVar:

ClinVar aggregate classification (germline): Uncertain significance. Review status: criteria provided, multiple submitters, no conflicts (2 of 4 stars). 3 submissions from 3 submitters: Uncertain significance (3). Last evaluated 2025-05-08.

Conditions:
Ullrich congenital muscular dystrophy 2 (UCMD2). Identifiers: Orphanet 75840, MedGen C4225314, MONDO:0014654, OMIM 616470.
Bethlem myopathy 2 (BTHLM2). Identifiers: Orphanet 536516, Orphanet 610, MedGen C4225313, MONDO:0034022, OMIM 616471.

Allele frequency attached by ClinVar (database versions not stated): gnomAD exomes below 0.00001.
gnomAD v4.1: 3 of 1,608,310 alleles (0.00019%); highest among the groups gnomAD compares: South Asian, 0.0011%; no homozygotes.

Submissions (3):

GeneDx
Classification: Uncertain significance. Last evaluated: 2025-05-08. Review status: criteria provided, single submitter. Criteria: GeneDx Variant Classification Process June 2021. Collection method: clinical testing. Allele origin: germline. Affected: yes.
Comment: Not observed at significant frequency in large population cohorts (gnomAD); In silico analysis suggests that this missense variant does not alter protein structure/function; Has not been previously published as pathogenic or benign to our knowledge

Blueprint Genetics
Classification: Uncertain significance. Last evaluated: 2023-09-25. Review status: criteria provided, single submitter. Criteria: ACMG Guidelines, 2015. Collection method: clinical testing. Allele origin: germline.

Labcorp Genetics (formerly Invitae), Labcorp
Classification: Uncertain significance for Bethlem myopathy 2; Ullrich congenital muscular dystrophy 2. Last evaluated: 2020-12-10. Review status: criteria provided, single submitter. Criteria: Invitae Variant Classification Sherloc (09022015). Collection method: clinical testing. Allele origin: germline.
Comment: In summary, the available evidence is currently insufficient to determine the role of this variant in disease. Therefore, it has been classified as a Variant of Uncertain Significance. This sequence change replaces glutamine with glutamic acid at codon 2607 of the COL12A1 protein (p.Gln2607Glu). The glutamine residue is highly conserved and there is a small physicochemical difference between glutamine and glutamic acid. This variant is not present in population databases (ExAC no frequency). This variant has not been reported in the literature in individuals with COL12A1-related conditions. Algorithms developed to predict the effect of missense changes on protein structure and function are either unavailable or do not agree on the potential impact of this missense change (SIFT: "Tolerated"; PolyPhen-2: "Probably Damaging"; Align-GVGD: "Class C0").

NM_004370.6(COL12A1):c.7819C>G (p.Gln2607Glu)

Gene: COL12A1 (collagen type XII alpha 1 chain; minus strand). Cytogenetic location: 6q13.
Variant type: single nucleotide variant.
Coding change: c.7819C>G on transcript NM_004370.6 (MANE Select); coding-DNA position 7819, C replaced by G.
Protein change: p.Gln2607Glu; replaces glutamine 2607 with glutamic acid.
Molecular consequence: missense variant.
Genome position (GRCh38, 1-based): chr6:75,113,623, G>C on the plus strand (C>G on the coding strand, the complement: COL12A1 is on the minus strand). VCF-style: chr6-75113623-G-C. GRCh37 (hg19) VCF-style: chr6-75823339-G-C.
Other names: c.7819C>G (NM_004370.5); c.4327C>G, p.Gln1443Glu (NM_080645.3); short protein forms Q2607E, Q1443E.
Identifiers: ClinVar variation 1492652 (VCV001492652.10), dbSNP rs1428757896, ClinGen allele CA364744142.